The following is an entry in ClinVar:

ClinVar aggregate classification (germline): Uncertain significance (1 of 4 stars; one submission).

Allele frequency attached by ClinVar (database versions not stated): ExAC 0.00012; ESP Exome Variant Server 0.00015.
gnomAD v4.1: 289 of 1,606,430 alleles (0.018%); highest among the groups gnomAD compares: Non-Finnish European, 0.024%; no homozygotes.

Submission:

Labcorp Genetics (formerly Invitae), Labcorp
Classification: Uncertain significance. Last evaluated: 2022-06-10. Review status: criteria provided, single submitter. Criteria: Invitae Variant Classification Sherloc (09022015). Collection method: clinical testing. Allele origin: germline.
Comment: Algorithms developed to predict the effect of sequence changes on RNA splicing suggest that this variant may create or strengthen a splice site. This variant has not been reported in the literature in individuals affected with NDUFB8-related conditions. This variant is present in population databases (rs142073536, gnomAD 0.02%). This sequence change affects codon 6 of the NDUFB8 mRNA. It is a 'silent' change, meaning that it does not change the encoded amino acid sequence of the NDUFB8 protein. In summary, the available evidence is currently insufficient to determine the role of this variant in disease. Therefore, it has been classified as a Variant of Uncertain Significance.

NM_005004.4(NDUFB8):c.18C>G (p.Ala6=)

Gene: NDUFB8 (NADH:ubiquinone oxidoreductase subunit B8; minus strand). Cytogenetic location: 10q24.31.
Variant type: single nucleotide variant.
Coding change: c.18C>G on transcript NM_005004.4 (MANE Select); coding-DNA position 18, C replaced by G.
Protein change: p.Ala6=; no amino-acid change (alanine 6 retained).
Molecular consequence: synonymous variant. On other transcripts: intron variant (1).
Genome position (GRCh38, 1-based): chr10:100,529,834, G>C on the plus strand (C>G on the coding strand, the complement: NDUFB8 is on the minus strand). VCF-style: chr10-100529834-G-C. GRCh37 (hg19) VCF-style: chr10-102289591-G-C.
Other names: c.18C>G, p.Ala6= (NM_001284367.2); c.-9+24C>G (NM_001284368.1).
Identifiers: ClinVar variation 2161343 (VCV002161343.4), dbSNP rs142073536, ClinGen allele CA5650303.